The following is an entry in ClinVar:

ClinVar aggregate classification (germline): Likely pathogenic (1 of 4 stars; one submission).

Conditions:
Generalized epilepsy with febrile seizures plus, type 2 (GEFSP2). Also called: GEFS+, TYPE 2. Identifiers: Orphanet 36387, MedGen C1858673, MONDO:0011461, OMIM 604403.

Submission:

MGZ Medical Genetics Center
Classification: Likely pathogenic for Generalized epilepsy with febrile seizures plus, type 2. Last evaluated: 2022-06-20. Review status: criteria provided, single submitter. Criteria: ACMG Guidelines, 2015. Collection method: clinical testing. Allele origin: germline. Affected: yes. Observed: 2 variant alleles.
Comment: ACMG criteria applied: PM1, PM5, PM2_SUP, PP2, PP3

NM_001165963.4(SCN1A):c.2879T>A (p.Met960Lys)

Gene: SCN1A (sodium voltage-gated channel alpha subunit 1; minus strand). Cytogenetic location: 2q24.3.
Variant type: single nucleotide variant.
Coding change: c.2879T>A on transcript NM_001165963.4 (MANE Select); coding-DNA position 2879, T replaced by A.
Protein change: p.Met960Lys; replaces methionine 960 with lysine.
Molecular consequence: missense variant. On other transcripts: non-coding transcript variant (1).
Genome position (GRCh38, 1-based): chr2:166,037,843, A>T on the plus strand (T>A on the coding strand, the complement: SCN1A is on the minus strand). VCF-style: chr2-166037843-A-T. GRCh37 (hg19) VCF-style: chr2-166894353-A-T.
Other names: c.2795T>A, p.Met932Lys (NM_001165964.3, NM_001353957.2, NM_001353958.2); c.2879T>A, p.Met960Lys (NM_001202435.3, NM_001353948.2); c.2846T>A, p.Met949Lys (NM_001353949.2, NM_001353950.2, NM_001353951.2 and 2 more transcripts); c.2843T>A, p.Met948Lys (NM_001353954.2, NM_001353955.2); c.2792T>A, p.Met931Lys (NM_001353960.2); c.437T>A, p.Met146Lys (NM_001353961.2); short protein forms M146K, M931K, M932K, M948K, M949K, M960K.
Identifiers: ClinVar variation 1709500 (VCV001709500.2), dbSNP rs794726708, ClinGen allele CA349061030.
Genomic context (GRCh38, chr2:166,037,843, plus strand): 5'-TTTCCAATCACCATGACCATCATGAAGACAGTAAGGCACATGGCTTGACCAGCAACCTCC[A>T]TACAGTCCCACATGGTCTCTATCCACTCCCCACACAGCACGCGGAACACAATCAGGAAGG-3'
Protein context (NP_001159435.1, residues 950-970): GEWIETMWDC[Met960Lys]EVAGQAMCLT